The following is an entry in ClinVar:

NM_000038.6(APC):c.6428C>T (p.Ser2143Phe)

Gene: APC (APC regulator of Wnt signaling pathway; plus strand). Cytogenetic location: 5q22.2.
Variant type: single nucleotide variant.
Coding change: c.6428C>T on transcript NM_000038.6 (MANE Select); coding-DNA position 6428, C replaced by T.
Protein change: p.Ser2143Phe; replaces serine 2143 with phenylalanine.
Molecular consequence: missense variant. On other transcripts: non-coding transcript variant (2).
Genome position (GRCh38, 1-based): chr5:112,842,022, C>T. VCF-style: chr5-112842022-C-T. GRCh37 (hg19) VCF-style: chr5-112177719-C-T.
Other names: c.6428C>T, p.Ser2143Phe (NM_001354895.2, NM_001127510.3, NM_001407450.1); c.6344C>T, p.Ser2115Phe (NM_001354899.2); c.6305C>T, p.Ser2102Phe (NM_001354900.2); c.6251C>T, p.Ser2084Phe (NM_001354901.2, NM_001407453.1); c.6482C>T, p.Ser2161Phe (NM_001354896.2, NM_001407447.1, NM_001407448.1 and 1 more transcripts); c.6353C>T, p.Ser2118Phe (NM_001354898.2); c.6458C>T, p.Ser2153Phe (NM_001354897.2); c.6374C>T, p.Ser2125Phe (NM_001127511.3); and 11 more; short protein forms S1860F, S2017F, S2084F, S2115F, S2042F, S2052F, S2060F, S2125F.
Identifiers: ClinVar variation 2587018 (VCV002587018.2), dbSNP rs2149964683, ClinGen allele CA16035402.

ClinVar aggregate classification (germline): Uncertain significance (1 of 4 stars; one submission).

Conditions:
Hereditary cancer-predisposing syndrome. Also called: Hereditary neoplastic syndrome; Tumor predisposition; Hereditary Cancer Syndrome; Neoplastic Syndromes, Hereditary. Identifiers: Orphanet 140162, MedGen C0027672, MeSH D009386, MONDO:0015356.

Submission:

Ambry Genetics
Classification: Uncertain significance for Hereditary cancer-predisposing syndrome. Last evaluated: 2023-08-05. Review status: criteria provided, single submitter. Criteria: Ambry Variant Classification Scheme 2023. Collection method: clinical testing. Allele origin: germline.
Comment: The p.S2143F variant (also known as c.6428C>T), located in coding exon 15 of the APC gene, results from a C to T substitution at nucleotide position 6428. The serine at codon 2143 is replaced by phenylalanine, an amino acid with highly dissimilar properties. This amino acid position is conserved. In addition, in silico predictors for this gene do not accurately predict pathogenicity. Since supporting evidence is limited at this time, the clinical significance of this alteration remains unclear.